The following is an entry in ClinVar:

ClinVar aggregate classification (germline): Uncertain significance (1 of 4 stars; one submission).

Conditions:
Idiopathic Pulmonary Fibrosis. Also called: Idiopathic fibrosing alveolitis, chronic form; idiopathic fibrosing alveolitis. Identifiers: Orphanet 2032, MedGen C1800706, MeSH D054990, MONDO:0800504.
Dyskeratosis congenita, autosomal dominant 2. Identifiers: MedGen C3151443, MONDO:0013521, OMIM 613989.

Allele frequency attached by ClinVar (database versions not stated): gnomAD exomes below 0.00001.
gnomAD v4.1: 1 of 1,424,980 alleles (0.00007%); highest among the groups gnomAD compares: South Asian, 0.0015%; no homozygotes.

Submission:

Labcorp Genetics (formerly Invitae), Labcorp
Classification: Uncertain significance for Dyskeratosis congenita, autosomal dominant 2; Idiopathic Pulmonary Fibrosis. Last evaluated: 2023-07-16. Review status: criteria provided, single submitter. Criteria: Invitae Variant Classification Sherloc (09022015). Collection method: clinical testing. Allele origin: germline.
Comment: This variant has not been reported in the literature in individuals affected with TERT-related conditions. This sequence change replaces proline, which is neutral and non-polar, with serine, which is neutral and polar, at codon 23 of the TERT protein (p.Pro23Ser). This variant is not present in population databases (gnomAD no frequency). Advanced modeling of protein sequence and biophysical properties (such as structural, functional, and spatial information, amino acid conservation, physicochemical variation, residue mobility, and thermodynamic stability) performed at Invitae indicates that this missense variant is expected to disrupt TERT protein function. In summary, the available evidence is currently insufficient to determine the role of this variant in disease. Therefore, it has been classified as a Variant of Uncertain Significance.

NM_198253.3(TERT):c.67C>T (p.Pro23Ser)

Genes: TERT (telomerase reverse transcriptase; minus strand), LOC110806263 (TERT 5' regulatory region; plus strand). Cytogenetic location: 5p15.33.
Variant type: single nucleotide variant.
Coding change: c.67C>T on transcript NM_198253.3 (MANE Select); coding-DNA position 67, C replaced by T.
Protein change: p.Pro23Ser; replaces proline 23 with serine.
Molecular consequence: missense variant. On other transcripts: non-coding transcript variant (2).
Genome position (GRCh38, 1-based): chr5:1,294,923, G>A on the plus strand (C>T on the coding strand, the complement: TERT is on the minus strand). VCF-style: chr5-1294923-G-A. GRCh37 (hg19) VCF-style: chr5-1295038-G-A.
Other names: c.67C>T, p.Pro23Ser (NM_001193376.3, NM_003219.1); short protein forms P23S.
Identifiers: ClinVar variation 2949913 (VCV002949913.3), dbSNP rs2126692512, ClinGen allele CA359059568.